The following is an entry in ClinVar:

ClinVar aggregate classification (germline): Uncertain significance (1 of 4 stars; one submission).

Conditions:
Primary ciliary dyskinesia. Also called: Ciliary dyskinesia. Identifiers: Orphanet 244, MedGen C0008780, MONDO:0016575, HP:0012265.

Allele frequency attached by ClinVar (database versions not stated): gnomAD exomes below 0.00001; gnomAD 0.00001; TOPMed 0.00002.
gnomAD v4.1: 3 of 1,538,114 alleles (0.0002%); highest among the groups gnomAD compares: African/African-American, 0.0028%; no homozygotes.

Submission:

Labcorp Genetics (formerly Invitae), Labcorp
Classification: Uncertain significance for Primary ciliary dyskinesia. Last evaluated: 2021-08-26. Review status: criteria provided, single submitter. Criteria: Invitae Variant Classification Sherloc (09022015). Collection method: clinical testing. Allele origin: germline.
Comment: This sequence change replaces serine with asparagine at codon 523 of the CCDC39 protein (p.Ser523Asn). The serine residue is weakly conserved and there is a small physicochemical difference between serine and asparagine. This variant is not present in population databases (ExAC no frequency). This variant has not been reported in the literature in individuals affected with CCDC39-related conditions. Algorithms developed to predict the effect of missense changes on protein structure and function output the following: SIFT: "Tolerated"; PolyPhen-2: "Benign"; Align-GVGD: "Class C0". The asparagine amino acid residue is found in multiple mammalian species, which suggests that this missense change does not adversely affect protein function. In summary, the available evidence is currently insufficient to determine the role of this variant in disease. Therefore, it has been classified as a Variant of Uncertain Significance.

NM_181426.2(CCDC39):c.1568G>A (p.Ser523Asn)

Gene: CCDC39 (coiled-coil domain 39 molecular ruler complex subunit; minus strand). Cytogenetic location: 3q26.33.
Variant type: single nucleotide variant.
Coding change: c.1568G>A on transcript NM_181426.2 (MANE Select); coding-DNA position 1568, G replaced by A.
Protein change: p.Ser523Asn; replaces serine 523 with asparagine.
Molecular consequence: missense variant.
Genome position (GRCh38, 1-based): chr3:180,644,217, C>T on the plus strand (G>A on the coding strand, the complement: CCDC39 is on the minus strand). VCF-style: chr3-180644217-C-T. GRCh37 (hg19) VCF-style: chr3-180362005-C-T.
Other names: short protein forms S523N.
Identifiers: ClinVar variation 1001844 (VCV001001844.6), dbSNP rs1418008218, ClinGen allele CA355309682.